The following is an entry in ClinVar:

ClinVar aggregate classification (germline): Pathogenic. Review status: criteria provided, multiple submitters, no conflicts (2 of 4 stars). 2 submissions from 2 submitters: Pathogenic (2). Last evaluated 2026-06-05.

Conditions:
Odonto-onycho-dermal dysplasia. Identifiers: Orphanet 2721, MedGen C0796093, MONDO:0009773, OMIM 257980.
Tooth agenesis, selective, 4 (STHAG4). Also called: SUCCEDANEOUS TEETH, AGENESIS OF; TOOTH AGENESIS, SELECTIVE, 4, WITH OR WITHOUT ECTODERMAL DYSPLASIA; LATERAL INCISORS, ABSENCE OF; LATERAL INCISORS, PEGGED OR MISSING. Identifiers: Orphanet 99798, MedGen C1835492, MONDO:0007881, OMIM 150400. Disease mechanism: loss of function.

Submissions (2):

Lupski Lab, Baylor-Hopkins CMG, Baylor College of Medicine
Classification: Pathogenic for Odonto-onycho-dermal dysplasia. Last evaluated: 2026-06-05. Review status: criteria provided, single submitter. Criteria: ACMG Guidelines, 2015. Collection method: research. Allele origin: maternal, paternal, germline. Inheritance: Autosomal recessive inheritance. Affected: yes and no. Observed: 6 variant alleles, 2 heterozygotes, 4 compound heterozygotes. Clinical features observed: Migraine (HP:0002076), Periorbital wrinkles (HP:0000607), Hyperpigmentation of the skin (HP:0000953), Dry skin (HP:0000958), Thin skin (HP:0000963), Atopic eczema (HP:0001047), Hypermelanotic macule (HP:0001034), Abnormal toenail morphology (HP:0008388), Thin fingernail (HP:0012742), Absent toenail (HP:0001802), Tooth agenesis (HP:0009804), Hypodontia (HP:0000668), and 22 more. Segregation with disease observed.
Comment: This c.532_536del variant segregates with Ectodermal dysplasia 16 in a family of 5 with 2 affected individuals (PP1_Supporting= +1pt). This variant is absent in gnomAD (PM2_Supporting= +1pt). This is a null variant in WNT10A, predicted to cause NMD. Loss-of-function is a known mechanism of disease (PVS1_Very Strong= +8pts). 10 pts (PVS1 +8, PM2 +1, PP1 +1) .

Labcorp Genetics (formerly Invitae), Labcorp
Classification: Pathogenic for Tooth agenesis, selective, 4; Odonto-onycho-dermal dysplasia. Last evaluated: 2023-03-01. Review status: criteria provided, single submitter. Criteria: Invitae Variant Classification Sherloc (09022015). Collection method: clinical testing. Allele origin: germline.
Comment: This variant has not been reported in the literature in individuals affected with WNT10A-related conditions. For these reasons, this variant has been classified as Pathogenic. ClinVar contains an entry for this variant (Variation ID: 1365136). This variant is not present in population databases (gnomAD no frequency). This sequence change creates a premature translational stop signal (p.Gln178Glyfs*7) in the WNT10A gene. It is expected to result in an absent or disrupted protein product. Loss-of-function variants in WNT10A are known to be pathogenic (PMID: 17847007, 22581971, 25629078).

Literature cited by the submitters: PubMed 17847007 (cited by Labcorp Genetics (formerly Invitae), Labcorp); PubMed 22581971 (cited by Labcorp Genetics (formerly Invitae), Labcorp); PubMed 25629078 (cited by Labcorp Genetics (formerly Invitae), Labcorp).

NM_025216.3(WNT10A):c.532_536del (p.Gln178fs)

Gene: WNT10A (Wnt family member 10A; plus strand). Cytogenetic location: 2q35.
Variant type: Deletion.
Coding change: c.532_536del on transcript NM_025216.3 (MANE Select); coding-DNA positions 532 to 536, 5 bases deleted (CAACT; older notation c.532_536delCAACT).
Protein change: p.Gln178fs; shifts the reading frame from glutamine 178.
Molecular consequence: frameshift variant.
Genome position (GRCh38, 1-based): chr2:218,890,139-218,890,143, CAACT deleted. VCF-style (leftmost placement, unchanged base first): chr2-218890138-ACAACT-A. GRCh37 (hg19) VCF-style: chr2-219754860-ACAACT-A.
Other names: short protein forms Q178fs.
Identifiers: ClinVar variation 1365136 (VCV001365136.7), dbSNP rs2106016227, ClinGen allele CA2573135229.